The following is an entry in ClinVar:

ClinVar aggregate classification (germline): Likely benign (1 of 4 stars; one submission).

Allele frequency attached by ClinVar (database versions not stated): 1000 Genomes Project 30x 0.00828; 1000 Genomes Project 0.00879; TOPMed 0.01767; gnomAD 0.01813 and 0.01941; gnomAD exomes 0.02142.
gnomAD v4.1: 12,549 of 603,712 alleles (2.1%); highest among the groups gnomAD compares: Non-Finnish European, 2.9%; 217 homozygotes.

Submission:

GeneDx
Classification: Likely benign. Last evaluated: 2018-06-19. Review status: criteria provided, single submitter. Criteria: GeneDx Variant Classification (06012015). Collection method: clinical testing. Allele origin: germline. Affected: yes.
Comment: This variant is considered likely benign or benign based on one or more of the following criteria: it is a conservative change, it occurs at a poorly conserved position in the protein, it is predicted to be benign by multiple in silico algorithms, and/or has population frequency not consistent with disease.

NM_000426.4(LAMA2):c.1207-134G>A

Gene: LAMA2 (laminin subunit alpha 2; plus strand). Cytogenetic location: 6q22.33.
Variant type: single nucleotide variant.
Coding change: c.1207-134G>A on transcript NM_000426.4 (MANE Select); 134 bases into the intron before coding-DNA position 1207, G replaced by A.
Molecular consequence: intron variant.
Genome position (GRCh38, 1-based): chr6:129,165,442, G>A. VCF-style: chr6-129165442-G-A. GRCh37 (hg19) VCF-style: chr6-129486587-G-A.
Other names: c.1207-134G>A (NM_001079823.2).
Identifiers: ClinVar variation 682900 (VCV000682900.1), dbSNP rs62420977, ClinGen allele CA146895353.